The following is an entry in ClinVar:

NM_001543.5(NDST1):c.1383C>T (p.Tyr461=)

Gene: NDST1 (N-deacetylase and N-sulfotransferase 1; plus strand). Cytogenetic location: 5q33.1.
Variant type: single nucleotide variant.
Coding change: c.1383C>T on transcript NM_001543.5 (MANE Select); coding-DNA position 1383, C replaced by T.
Protein change: p.Tyr461=; no amino-acid change (tyrosine 461 retained).
Molecular consequence: synonymous variant.
Genome position (GRCh38, 1-based): chr5:150,535,831, C>T. VCF-style: chr5-150535831-C-T. GRCh37 (hg19) VCF-style: chr5-149915393-C-T.
Other names: c.1383C>T, p.Tyr461= (NM_001301063.2).
Identifiers: ClinVar variation 2655934 (VCV002655934.24), dbSNP rs2479966600, ClinGen allele CA447163206.

ClinVar aggregate classification (germline): Likely benign (1 of 4 stars; one submission).

Submission:

CeGaT Center for Human Genetics Tuebingen
Classification: Likely benign. Last evaluated: 2022-08-01. Review status: criteria provided, single submitter. Criteria: CeGaT Center For Human Genetics Tuebingen Variant Classification Criteria Version 2. Collection method: clinical testing. Allele origin: germline. Affected: yes. Observed: 1 variant allele.
Comment: NDST1: PM2:Supporting, BP4, BP7